The following is an entry in ClinVar:

ClinVar aggregate classification (germline): Uncertain significance. Review status: criteria provided, multiple submitters, no conflicts (2 of 4 stars). 5 submissions from 5 submitters: Uncertain significance (5). Last evaluated 2026-01-18.

Conditions:
Familial melanoma. Also called: Hereditary melanoma; Hereditary cutaneous melanoma. Identifiers: Orphanet 618, MedGen C1512419, MONDO:0018961.
Hereditary cancer-predisposing syndrome. Also called: Hereditary neoplastic syndrome; Neoplastic Syndromes, Hereditary; Tumor predisposition; Hereditary Cancer Syndrome. Identifiers: Orphanet 140162, MedGen C0027672, MeSH D009386, MONDO:0015356.

Allele frequency attached by ClinVar (database versions not stated): ExAC 0.00001; gnomAD exomes 0.00002; TOPMed 0.00003; gnomAD 0.00004.

Submissions (5):

Labcorp Genetics (formerly Invitae), Labcorp
Classification: Uncertain significance for Familial melanoma. Last evaluated: 2026-01-18. Review status: criteria provided, single submitter. Criteria: Invitae Variant Classification Sherloc (09022015). Collection method: clinical testing. Allele origin: germline.
Comment: This sequence change replaces arginine, which is basic and polar, with glutamine, which is neutral and polar, at codon 288 of the CDK4 protein (p.Arg288Gln). This variant is present in population databases (rs761577371, gnomAD 0.008%). This variant has not been reported in the literature in individuals affected with CDK4-related conditions. ClinVar contains an entry for this variant (Variation ID: 246278). Invitae Evidence Modeling of protein sequence and biophysical properties (such as structural, functional, and spatial information, amino acid conservation, physicochemical variation, residue mobility, and thermodynamic stability) indicates that this missense variant is not expected to disrupt CDK4 protein function with a negative predictive value of 95%. In summary, the available evidence is currently insufficient to determine the role of this variant in disease. Therefore, it has been classified as a Variant of Uncertain Significance.

Quest Diagnostics Nichols Institute San Juan Capistrano
Classification: Uncertain significance. Last evaluated: 2025-10-23. Review status: criteria provided, single submitter. Criteria: Quest Diagnostics criteria. Collection method: clinical testing. Allele origin: unknown.
Comment: The CDK4 c.863G>A (p.Arg288Gln) variant has been reported in the published literature in the somatic state in an individual with a malignant peripheral nerve sheath tumor (PMID: 25305755 (2014)). The frequency of this variant in the general population (Genome Aggregation Database) is uninformative in the assessment of its pathogenicity. Analysis of this variant using bioinformatics tools for the prediction of the effect of amino acid changes on protein structure and function yielded predictions that this variant is benign. Based on the available information, we are unable to determine the clinical significance of this variant.

Ambry Genetics
Classification: Uncertain significance for Hereditary cancer-predisposing syndrome. Last evaluated: 2025-03-26. Review status: criteria provided, single submitter. Criteria: Ambry Variant Classification Scheme 2023. Collection method: clinical testing. Allele origin: germline.
Comment: The p.R288Q variant (also known as c.863G>A), located in coding exon 7 of the CDK4 gene, results from a G to A substitution at nucleotide position 863. The arginine at codon 288 is replaced by glutamine, an amino acid with highly similar properties. This amino acid position is not well conserved in available vertebrate species. In addition, this alteration is predicted to be tolerated by in silico analysis. Since supporting evidence is limited at this time, the clinical significance of this alteration remains unclear.

Women's Health and Genetics/Laboratory Corporation of America, LabCorp
Classification: Uncertain significance. Last evaluated: 2025-02-13. Review status: criteria provided, single submitter. Criteria: LabCorp Variant Classification Summary - May 2015. Collection method: clinical testing. Allele origin: germline.
Comment: Variant summary: CDK4 c.863G>A (p.Arg288Gln) results in a conservative amino acid change in the encoded protein sequence. Four of five in-silico tools predict a benign effect of the variant on protein function. The variant allele was found at a frequency of 2.4e-05 in 251452 control chromosomes (gnomAD). The available data on variant occurrences in the general population are insufficient to allow any conclusion about variant significance. To our knowledge, no occurrence of c.863G>A in individuals affected with Cutaneous Malignant Melanoma and no experimental evidence demonstrating its impact on protein function have been reported. ClinVar contains an entry for this variant (Variation ID: 246278). Based on the evidence outlined above, the variant was classified as uncertain significance.

GeneDx
Classification: Uncertain significance. Last evaluated: 2022-04-08. Review status: criteria provided, single submitter. Criteria: GeneDx Variant Classification Process June 2021. Collection method: clinical testing. Allele origin: germline. Affected: yes.
Comment: In silico analysis supports that this missense variant does not alter protein structure/function; Has not been previously published as pathogenic or benign germline variants to our knowledge; This variant is associated with the following publications: (PMID: 25305755)

Literature cited by the submitters: PubMed 25305755 (cited by Quest Diagnostics Nichols Institute San Juan Capistrano); PubMed 27640074 (cited by Quest Diagnostics Nichols Institute San Juan Capistrano).

NM_000075.4(CDK4):c.863G>A (p.Arg288Gln)

Genes: TSPAN31 (tetraspanin 31; plus strand), CDK4 (cyclin dependent kinase 4; minus strand). Cytogenetic location: 12q14.1.
Variant type: single nucleotide variant.
Coding change: c.863G>A on transcript NM_000075.4 (MANE Select); coding-DNA position 863, G replaced by A.
Protein change: p.Arg288Gln; replaces arginine 288 with glutamine.
Molecular consequence: missense variant. On other transcripts: 3 prime UTR variant (3).
Genome position (GRCh38, 1-based): chr12:57,748,574, C>T on the plus strand (G>A on the coding strand, the complement: CDK4 is on the minus strand). VCF-style: chr12-57748574-C-T. GRCh37 (hg19) VCF-style: chr12-58142357-C-T.
Other names: c.*1284C>T (NM_001330168.2, NM_001330169.2, NM_005981.5); short protein forms R288Q.
Identifiers: ClinVar variation 246278 (VCV000246278.21), dbSNP rs761577371, ClinGen allele CA6657623.
Genomic context (GRCh38, chr12:57,748,574, plus strand): 5'-CACTCCATTGCTCACTCCGGATTACCTTCATCCTTATGTAGATAAGAGTGCTGCAGAGCT[C>T]GAAAGGCAGAGATTCGCTTGTGTGGGTTAAAAGTCAGCATTTCCTGAGGGGAGAGGCAAA-3'
Protein context (NP_000066.1, residues 278-298): FNPHKRISAF[Arg288Gln]ALQHSYLHKD